The following is an entry in ClinVar:

ClinVar aggregate classification (germline): Uncertain significance. Review status: criteria provided, multiple submitters, no conflicts (2 of 4 stars). 5 submissions from 5 submitters: Uncertain significance (5). Last evaluated 2026-05-29.

Conditions:
IMPG2-related disorder. Also called: IMPG2-related condition.
Inborn genetic diseases. Identifiers: MedGen C0950123, MeSH D030342.

Allele frequency attached by ClinVar (database versions not stated): TOPMed 0.00020; gnomAD 0.00006; ESP Exome Variant Server 0.00023.
gnomAD v4.1: 47 of 1,614,016 alleles (0.0029%); highest among the groups gnomAD compares: African/African-American, 0.051%; no homozygotes.

Submissions (5):

PreventionGenetics, part of Exact Sciences
Classification: Uncertain significance for IMPG2-related condition. Last evaluated: 2026-05-29. Review status: criteria provided, single submitter. Criteria: ACMG Guidelines, 2015. Collection method: clinical testing. Allele origin: germline.
Comment: The IMPG2 c.1946T>C variant is predicted to result in the amino acid substitution p.Leu649Pro. To our knowledge, this variant has not been reported in the literature. This variant is reported in 0.060% of alleles in individuals of African descent in gnomAD, which is likely too frequent to be a primary cause of disease. Although we suspect that this variant may be benign, at this time, the clinical significance of this variant is uncertain due to the absence of conclusive functional and genetic evidence.

Blueprint Genetics
Classification: Uncertain significance. Last evaluated: 2023-08-15. Review status: criteria provided, single submitter. Criteria: ACMG Guidelines, 2015. Collection method: clinical testing. Allele origin: germline.

Labcorp Genetics (formerly Invitae), Labcorp
Classification: Uncertain significance. Last evaluated: 2022-09-27. Review status: criteria provided, single submitter. Criteria: Invitae Variant Classification Sherloc (09022015). Collection method: clinical testing. Allele origin: germline.
Comment: This sequence change replaces leucine, which is neutral and non-polar, with proline, which is neutral and non-polar, at codon 649 of the IMPG2 protein (p.Leu649Pro). This variant is present in population databases (rs146644083, gnomAD 0.06%). This variant has not been reported in the literature in individuals affected with IMPG2-related conditions. ClinVar contains an entry for this variant (Variation ID: 167193). Advanced modeling of protein sequence and biophysical properties (such as structural, functional, and spatial information, amino acid conservation, physicochemical variation, residue mobility, and thermodynamic stability) performed at Invitae indicates that this missense variant is not expected to disrupt IMPG2 protein function. In summary, the available evidence is currently insufficient to determine the role of this variant in disease. Therefore, it has been classified as a Variant of Uncertain Significance.

Ambry Genetics
Classification: Uncertain significance for Inborn genetic diseases. Last evaluated: 2021-08-12. Review status: criteria provided, single submitter. Criteria: Ambry Variant Classification Scheme 2023. Collection method: clinical testing. Allele origin: germline.

Eurofins Ntd Llc (ga)
Classification: Uncertain significance. Last evaluated: 2014-01-31. Review status: criteria provided, single submitter. Criteria: EGL Classification Definitions 2015. Collection method: clinical testing. Allele origin: germline. Observed: 1 variant allele, 1 heterozygote.

NM_016247.4(IMPG2):c.1946T>C (p.Leu649Pro)

Gene: IMPG2 (interphotoreceptor matrix proteoglycan 2; minus strand). Cytogenetic location: 3q12.3.
Variant type: single nucleotide variant.
Coding change: c.1946T>C on transcript NM_016247.4 (MANE Select); coding-DNA position 1946, T replaced by C.
Protein change: p.Leu649Pro; replaces leucine 649 with proline.
Molecular consequence: missense variant.
Genome position (GRCh38, 1-based): chr3:101,244,385, A>G on the plus strand (T>C on the coding strand, the complement: IMPG2 is on the minus strand). VCF-style: chr3-101244385-A-G. GRCh37 (hg19) VCF-style: chr3-100963229-A-G.
Other names: short protein forms L649P.
Identifiers: ClinVar variation 167193 (VCV000167193.14), dbSNP rs146644083, ClinGen allele CA234132.